The following is an entry in ClinVar:

NM_015971.4(MRPS7):c.428C>G (p.Thr143Ser)

Gene: MRPS7 (mitochondrial ribosomal protein S7; plus strand). Cytogenetic location: 17q25.1.
Variant type: single nucleotide variant.
Coding change: c.428C>G on transcript NM_015971.4 (MANE Select); coding-DNA position 428, C replaced by G.
Protein change: p.Thr143Ser; replaces threonine 143 with serine.
Molecular consequence: missense variant.
Genome position (GRCh38, 1-based): chr17:75,263,428, C>G. VCF-style: chr17-75263428-C-G. GRCh37 (hg19) VCF-style: chr17-73259509-C-G.
Other names: c.428C>G (NM_015971.3); short protein forms T143S.
Identifiers: ClinVar variation 2180201 (VCV002180201.6), dbSNP rs114963701, ClinGen allele CA8760384.
Genomic context (GRCh38, chr17:75,263,428, plus strand): 5'-TTGAGAAGTACCATGCCGCTTCTGCAGAGGAACAGGCAACCATCGAACGCAACCCCTACA[C>G]CATCTTCCATCAAGCACTGAAAAACTGTGAGCCTATGATTGGGCTGGTACCCATCCTCAA-3'
Protein context (NP_057055.2, residues 133-153): EQATIERNPY[Thr143Ser]IFHQALKNCE

ClinVar aggregate classification (germline): Likely benign. Review status: criteria provided, single submitter (1 of 4 stars). 2 submissions from 2 submitters: Likely benign (1). 1 of the submissions does not count toward it. Last evaluated 2025-07-07.

Conditions:
MRPS7-related disorder. Also called: MRPS7-related condition.

Allele frequency attached by ClinVar (database versions not stated): gnomAD 0.00020; TOPMed 0.00024; 1000 Genomes Project 0.00160; 1000 Genomes Project 30x 0.00172.

Submissions (2):

Labcorp Genetics (formerly Invitae), Labcorp
Classification: Likely benign. Last evaluated: 2025-07-07. Review status: criteria provided, single submitter. Criteria: Invitae Variant Classification Sherloc (09022015). Collection method: clinical testing. Allele origin: germline.

PreventionGenetics, part of Exact Sciences
Classification: Likely benign for MRPS7-related condition. Last evaluated: 2019-05-24. Review status: no assertion criteria provided. Collection method: clinical testing. Allele origin: germline. Not counted in ClinVar's aggregate classification.
Comment: This variant is classified as likely benign based on ACMG/AMP sequence variant interpretation guidelines (Richards et al. 2015 PMID: 25741868, with internal and published modifications).